The following is an entry in ClinVar:

NM_024675.4(PALB2):c.2748+7G>T

Gene: PALB2 (partner and localizer of BRCA2; minus strand). Cytogenetic location: 16p12.2.
Variant type: single nucleotide variant.
Coding change: c.2748+7G>T on transcript NM_024675.4 (MANE Select); 7 bases into the intron after coding-DNA position 2748, G replaced by T.
Molecular consequence: intron variant.
Genome position (GRCh38, 1-based): chr16:23,626,229, C>A on the plus strand (G>T on the coding strand, the complement: PALB2 is on the minus strand). VCF-style: chr16-23626229-C-A. GRCh37 (hg19) VCF-style: chr16-23637550-C-A.
Identifiers: ClinVar variation 1105842 (VCV001105842.11), dbSNP rs2142352787, ClinGen allele CA2499223418.
Genomic context (GRCh38, chr16:23,626,229, plus strand): 5'-AGCTGCCCATCTACATTATCAGGCAAATGGCTGCAAAGATCTCTTTCAGCTCGAGATTCC[C>A]ACTTACCTCTGCGAAGTGCCAGGTATAAAGTTTTTCCCACTGCCAAGCATCCAGAGCTTT-3'

ClinVar aggregate classification (germline): Likely benign. Review status: criteria provided, multiple submitters, no conflicts (2 of 4 stars). 2 submissions from 2 submitters: Likely benign (2). Last evaluated 2025-01-17.

Conditions:
Familial cancer of breast. Also called: BREAST CANCER, FAMILIAL; Hereditary breast cancer; hereditary breast carcinoma. Identifiers: Orphanet 227535, MedGen C0346153, MONDO:0016419, OMIM 114480. Disease mechanism: loss of function.

Submissions (2):

Myriad Genetics, Inc.
Classification: Likely benign for Familial cancer of breast. Last evaluated: 2025-01-17. Review status: criteria provided, single submitter. Criteria: Myriad Autosomal Dominant, Autosomal Recessive and X-Linked Classification Criteria (2023). Collection method: clinical testing. Allele origin: unknown.
Comment: This variant is considered likely benign. This variant is intronic and is not expected to impact mRNA splicing.

Labcorp Genetics (formerly Invitae), Labcorp
Classification: Likely benign for Familial cancer of breast. Last evaluated: 2023-10-19. Review status: criteria provided, single submitter. Criteria: Invitae Variant Classification Sherloc (09022015). Collection method: clinical testing. Allele origin: germline.